The following is an entry in ClinVar:

NM_025137.4(SPG11):c.6999+1G>T

Gene: SPG11 (SPG11 vesicle trafficking associated, spatacsin; minus strand). Cytogenetic location: 15q21.1.
Variant type: single nucleotide variant.
Coding change: c.6999+1G>T on transcript NM_025137.4 (MANE Select); the canonical splice donor site of the intron after coding-DNA position 6999, G replaced by T.
Molecular consequence: splice donor variant.
Genome position (GRCh38, 1-based): chr15:44,565,853, C>A on the plus strand (G>T on the coding strand, the complement: SPG11 is on the minus strand). VCF-style: chr15-44565853-C-A. GRCh37 (hg19) VCF-style: chr15-44858051-C-A.
Other names: c.6855+1G>T (NM_001411132.1); c.6660+1G>T (NM_001160227.2).
Identifiers: ClinVar variation 2581543 (VCV002581543.1), dbSNP rs1191614292, ClinGen allele CA392213016.

ClinVar aggregate classification (germline): Likely pathogenic (1 of 4 stars; one submission).

Conditions:
Hereditary spastic paraplegia. Also called: Familial spastic paraparesis. Identifiers: Orphanet 685, MedGen C0037773, MONDO:0019064. Disease mechanism: loss of function.

Submission:

Women's Health and Genetics/Laboratory Corporation of America, LabCorp
Classification: Likely pathogenic for Hereditary spastic paraplegia. Last evaluated: 2023-08-07. Review status: criteria provided, single submitter. Criteria: LabCorp Variant Classification Summary - May 2015. Collection method: clinical testing. Allele origin: germline.
Comment: Variant summary: SPG11 c.6999+1G>T is located in a canonical splice-site and is predicted to affect mRNA splicing resulting in a significantly altered protein due to either exon skipping, shortening, or inclusion of intronic material. Several computational tools predict a significant impact on normal splicing: four predict the variant abolishes a 5' splicing donor site. However, these predictions have yet to be confirmed by functional studies. The variant was absent in 250786 control chromosomes (gnomAD). To our knowledge, no occurrence of c.6999+1G>T in individuals affected with Hereditary Spastic Paraplegia, Type 11 and no experimental evidence demonstrating its impact on protein function have been reported. No submitters have reported clinical-significance assessments for this variant to ClinVar after 2014. Based on the evidence outlined above, the variant was classified as likely pathogenic.